The following is an entry in ClinVar:

NM_001130438.3(SPTAN1):c.6428C>T (p.Ser2143Phe)

Gene: SPTAN1 (spectrin alpha, non-erythrocytic 1; plus strand). Cytogenetic location: 9q34.11.
Variant type: single nucleotide variant.
Coding change: c.6428C>T on transcript NM_001130438.3 (MANE Select); coding-DNA position 6428, C replaced by T.
Protein change: p.Ser2143Phe; replaces serine 2143 with phenylalanine.
Molecular consequence: missense variant.
Genome position (GRCh38, 1-based): chr9:128,626,539, C>T. VCF-style: chr9-128626539-C-T. GRCh37 (hg19) VCF-style: chr9-131388818-C-T.
Other names: c.6353C>T, p.Ser2118Phe (NM_001195532.2); c.6428C>T, p.Ser2143Phe (NM_001363759.2, NM_001375310.1, NM_001375311.2 and 1 more transcripts); c.6368C>T, p.Ser2123Phe (NM_001363765.2, NM_001375314.2); c.6464C>T, p.Ser2155Phe (NM_001375312.2, NM_001375318.1); c.6413C>T, p.Ser2138Phe (NM_003127.4); short protein forms S2118F, S2123F, S2138F, S2155F, S2143F.
Identifiers: ClinVar variation 2760928 (VCV002760928.3), dbSNP rs1227931545, ClinGen allele CA375088914.

ClinVar aggregate classification (germline): Uncertain significance (1 of 4 stars; one submission).

Conditions:
Early-infantile DEE. Also called: Ohtahara syndrome; Early infantile epileptic encephalopathy; Early infantile epileptic encephalopathy with suppression bursts. Identifiers: Orphanet 1934, MedGen C0393706, MONDO:0800491.

Allele frequency attached by ClinVar (database versions not stated): gnomAD exomes below 0.00001.
gnomAD v4.1: 3 of 1,614,148 alleles (0.00019%); highest among the groups gnomAD compares: African/African-American, 0.0013%; no homozygotes.

Submission:

Labcorp Genetics (formerly Invitae), Labcorp
Classification: Uncertain significance for Early-infantile DEE. Last evaluated: 2022-12-11. Review status: criteria provided, single submitter. Criteria: Invitae Variant Classification Sherloc (09022015). Collection method: clinical testing. Allele origin: germline.
Comment: In summary, the available evidence is currently insufficient to determine the role of this variant in disease. Therefore, it has been classified as a Variant of Uncertain Significance. Advanced modeling of protein sequence and biophysical properties (such as structural, functional, and spatial information, amino acid conservation, physicochemical variation, residue mobility, and thermodynamic stability) has been performed at Invitae for this missense variant, however the output from this modeling did not meet the statistical confidence thresholds required to predict the impact of this variant on SPTAN1 protein function. This variant has not been reported in the literature in individuals affected with SPTAN1-related conditions. This variant is present in population databases (no rsID available, gnomAD 0.003%). This sequence change replaces serine, which is neutral and polar, with phenylalanine, which is neutral and non-polar, at codon 2143 of the SPTAN1 protein (p.Ser2143Phe).